The following is an entry in ClinVar:

ClinVar aggregate classification (germline): Uncertain significance. Review status: criteria provided, multiple submitters, no conflicts (2 of 4 stars). 2 submissions from 2 submitters: Uncertain significance (2). Last evaluated 2021-07-23.

Conditions:
Charcot-Marie-Tooth disease type 4. Also called: Charcot-Marie-Tooth disease, type IV; Charcot-Marie-Tooth, Type 4. Identifiers: Orphanet 64749, MedGen C4082197, MONDO:0018995.

Allele frequency attached by ClinVar (database versions not stated): TOPMed below 0.00001; gnomAD exomes 0.00001.

Submissions (2):

Athena Diagnostics
Classification: Uncertain significance. Last evaluated: 2021-07-23. Review status: criteria provided, single submitter. Criteria: Athena Diagnostics Criteria. Collection method: clinical testing. Allele origin: unknown.

Labcorp Genetics (formerly Invitae), Labcorp
Classification: Uncertain significance for Charcot-Marie-Tooth disease type 4. Last evaluated: 2020-01-22. Review status: criteria provided, single submitter. Criteria: Invitae Variant Classification Sherloc (09022015). Collection method: clinical testing. Allele origin: germline.
Comment: In summary, the available evidence is currently insufficient to determine the role of this variant in disease. Therefore, it has been classified as a Variant of Uncertain Significance. This sequence change replaces aspartic acid with valine at codon 155 of the PRX protein (p.Asp155Val). The aspartic acid residue is highly conserved and there is a large physicochemical difference between aspartic acid and valine. This variant is not present in population databases (ExAC no frequency). This variant has not been reported in the literature in individuals with PRX-related conditions. Algorithms developed to predict the effect of missense changes on protein structure and function (SIFT, PolyPhen-2, Align-GVGD) all suggest that this variant is likely to be disruptive, but these predictions have not been confirmed by published functional studies and their clinical significance is uncertain.

NM_181882.3(PRX):c.464A>T (p.Asp155Val)

Gene: PRX (periaxin; minus strand). Cytogenetic location: 19q13.2.
Variant type: single nucleotide variant.
Coding change: c.464A>T on transcript NM_181882.3 (MANE Select); coding-DNA position 464, A replaced by T.
Protein change: p.Asp155Val; replaces aspartic acid 155 with valine.
Molecular consequence: missense variant. On other transcripts: 3 prime UTR variant (1).
Genome position (GRCh38, 1-based): chr19:40,397,888, T>A on the plus strand (A>T on the coding strand, the complement: PRX is on the minus strand). VCF-style: chr19-40397888-T-A. GRCh37 (hg19) VCF-style: chr19-40903795-T-A.
Other names: c.*669A>T (NM_020956.2); short protein forms D155V.
Identifiers: ClinVar variation 972632 (VCV000972632.10), dbSNP rs2079458431, ClinGen allele CA405900520.